The following is an entry in ClinVar:

ClinVar aggregate classification (germline): Uncertain significance (1 of 4 stars; one submission).

Submission:

Ambry Genetics
Classification: Uncertain significance. Last evaluated: 2025-07-12. Review status: criteria provided, single submitter. Criteria: Ambry Variant Classification Scheme 2023. Collection method: clinical testing. Allele origin: germline.
Comment: The p.Q154E variant (also known as c.460C>G), located in coding exon 1 of the MLH3 gene, results from a C to G substitution at nucleotide position 460. The glutamine at codon 154 is replaced by glutamic acid, an amino acid with highly similar properties. This amino acid position is conserved. In addition, the in silico prediction for this alteration is inconclusive. Based on the available evidence, the clinical significance of this variant remains unclear.

NM_001040108.2(MLH3):c.460C>G (p.Gln154Glu)

Gene: MLH3 (mutL homolog 3; minus strand). Cytogenetic location: 14q24.3.
Variant type: single nucleotide variant.
Coding change: c.460C>G on transcript NM_001040108.2 (MANE Select); coding-DNA position 460, C replaced by G.
Protein change: p.Gln154Glu; replaces glutamine 154 with glutamic acid.
Molecular consequence: missense variant.
Genome position (GRCh38, 1-based): chr14:75,049,196, G>C on the plus strand (C>G on the coding strand, the complement: MLH3 is on the minus strand). VCF-style: chr14-75049196-G-C. GRCh37 (hg19) VCF-style: chr14-75515899-G-C.
Other names: c.460C>G, p.Gln154Glu (NM_014381.3); short protein forms Q154E.
Identifiers: ClinVar variation 4108639 (VCV004108639.1).
Genomic context (GRCh38, chr14:75,049,196, plus strand): 5'-TCTGCCTAACCTTCTCAAACTCCAGTCTAGGGTCCATGCATTTCCTCCTTACAGGAAGCT[G>C]GTAAAATAGGTTATACACTGTTACAGTAGTCCCAGCGCTTGCTCTAGTCACATCAGCTTC-3'
Protein context (NP_001035197.1, residues 144-164): TTVTVYNLFY[Gln154Glu]LPVRRKCMDP